The following is an entry in ClinVar:

NM_000059.4(BRCA2):c.8980T>C (p.Ser2994Pro)

Gene: BRCA2 (BRCA2 DNA repair associated; plus strand). Cytogenetic location: 13q13.1.
Variant type: single nucleotide variant.
Coding change: c.8980T>C on transcript NM_000059.4 (MANE Select); coding-DNA position 8980, T replaced by C.
Protein change: p.Ser2994Pro; replaces serine 2994 with proline.
Molecular consequence: missense variant.
Genome position (GRCh38, 1-based): chr13:32,379,776, T>C. VCF-style: chr13-32379776-T-C. GRCh37 (hg19) VCF-style: chr13-32953913-T-C.
Other names: short protein forms S2994P.
Identifiers: ClinVar variation 822866 (VCV000822866.15), dbSNP rs1593937350, ClinGen allele CA387757404.
Genomic context (GRCh38, chr13:32,379,776, plus strand): 5'-TTCCATTGCATCTTTCTCATCTTTCTCCAAACAGTTATACTGAGTATTTGGCGTCCATCA[T>C]CAGATTTATATTCTCTGTTAACAGAAGGAAAGAGATACAGAATTTATCATCTTGCAACTT-3'
Protein context (NP_000050.3, residues 2984-3004): SVILSIWRPS[Ser2994Pro]DLYSLLTEGK

ClinVar aggregate classification (germline): Conflicting classifications of pathogenicity. Review status: criteria provided, conflicting classifications (1 of 4 stars). 3 submissions from 3 submitters: Uncertain significance (2); Likely benign (1). Last evaluated 2025-12-23.

Conditions:
Hereditary cancer-predisposing syndrome. Also called: Tumor predisposition; Hereditary Cancer Syndrome; Neoplastic Syndromes, Hereditary; Hereditary neoplastic syndrome. Identifiers: Orphanet 140162, MedGen C0027672, MeSH D009386, MONDO:0015356.
Hereditary breast ovarian cancer syndrome. Also called: Hereditary breast and ovarian cancer; Breast and ovarian cancer; Hereditary breast and/or ovarian cancer syndrome; Hereditary breast and ovarian cancer syndrome; BRCA1- and BRCA2-Associated Hereditary Breast and Ovarian Cancer; Hereditary breast and ovarian cancer syndrome (HBOC). Identifiers: Orphanet 145, MedGen C0677776, MeSH D061325, MONDO:0003582. Disease mechanism: loss of function.

Allele frequency attached by ClinVar (database versions not stated): TOPMed below 0.00001.

Submissions (3):

Labcorp Genetics (formerly Invitae), Labcorp
Classification: Uncertain significance for Hereditary breast ovarian cancer syndrome. Last evaluated: 2025-12-23. Review status: criteria provided, single submitter. Criteria: Invitae Variant Classification Sherloc (09022015). Collection method: clinical testing. Allele origin: germline.
Comment: This sequence change replaces serine, which is neutral and polar, with proline, which is neutral and non-polar, at codon 2994 of the BRCA2 protein (p.Ser2994Pro). This variant is not present in population databases (gnomAD no frequency). This variant has not been reported in the literature in individuals affected with BRCA2-related conditions. ClinVar contains an entry for this variant (Variation ID: 822866). Invitae Evidence Modeling of protein sequence and biophysical properties (such as structural, functional, and spatial information, amino acid conservation, physicochemical variation, residue mobility, and thermodynamic stability) indicates that this missense variant is not expected to disrupt BRCA2 protein function with a negative predictive value of 95%. In summary, the available evidence is currently insufficient to determine the role of this variant in disease. Therefore, it has been classified as a Variant of Uncertain Significance.

Quest Diagnostics Nichols Institute San Juan Capistrano
Classification: Uncertain significance. Last evaluated: 2025-10-15. Review status: criteria provided, single submitter. Criteria: Quest Diagnostics criteria. Collection method: clinical testing. Allele origin: unknown.
Comment: The BRCA2 c.8980T>C (p.Ser2994Pro) variant has not been reported in individuals with BRCA2-related conditions in the published literature. This variant has not been reported in large, multi-ethnic general populations (Genome Aggregation Database). Analysis of this variant using bioinformatics tools for the prediction of the effect of amino acid changes on protein structure and function yielded predictions that this variant is benign. Based on the available information, we are unable to determine the clinical significance of this variant.

Ambry Genetics
Classification: Likely benign for Hereditary cancer-predisposing syndrome. Last evaluated: 2025-05-15. Review status: criteria provided, single submitter. Criteria: Ambry Variant Classification Scheme 2023. Collection method: clinical testing. Allele origin: germline.